The following is an entry in ClinVar:

NM_015909.4(NBAS):c.1232C>A (p.Thr411Asn)

Gene: NBAS (NBAS subunit of NRZ tethering complex; minus strand). Cytogenetic location: 2p24.3.
Variant type: single nucleotide variant.
Coding change: c.1232C>A on transcript NM_015909.4 (MANE Select); coding-DNA position 1232, C replaced by A.
Protein change: p.Thr411Asn; replaces threonine 411 with asparagine.
Molecular consequence: missense variant. On other transcripts: non-coding transcript variant (1).
Genome position (GRCh38, 1-based): chr2:15,475,796, G>T on the plus strand (C>A on the coding strand, the complement: NBAS is on the minus strand). VCF-style: chr2-15475796-G-T. GRCh37 (hg19) VCF-style: chr2-15615920-G-T.
Other names: short protein forms T411N.
Identifiers: ClinVar variation 1998968 (VCV001998968.4), dbSNP rs1680165803, ClinGen allele CA345891052.
Genomic context (GRCh38, chr2:15,475,796, plus strand): 5'-GGTTCAAACCATTCACAGGATTTTCCCAGTAAATTCTTCAAAGTTTTCACAGATGAAACA[G>T]TTAAAGCACCAGAGCATCGAGCTAAAGTCACTGCACTGTCTGCCCACCAATTGACATCTA-3'
Protein context (NP_056993.2, residues 401-421): VTLARCSGAL[Thr411Asn]VSSVKTLKNL

ClinVar aggregate classification (germline): Uncertain significance (1 of 4 stars; one submission).

Allele frequency attached by ClinVar (database versions not stated): TOPMed below 0.00001.
gnomAD v4.1: 1 of 1,613,966 alleles (0.000062%); no homozygotes.

Submission:

Labcorp Genetics (formerly Invitae), Labcorp
Classification: Uncertain significance. Last evaluated: 2022-06-23. Review status: criteria provided, single submitter. Criteria: Invitae Variant Classification Sherloc (09022015). Collection method: clinical testing. Allele origin: germline.
Comment: This sequence change replaces threonine, which is neutral and polar, with asparagine, which is neutral and polar, at codon 411 of the NBAS protein (p.Thr411Asn). In summary, the available evidence is currently insufficient to determine the role of this variant in disease. Therefore, it has been classified as a Variant of Uncertain Significance. Algorithms developed to predict the effect of missense changes on protein structure and function (SIFT, PolyPhen-2, Align-GVGD) all suggest that this variant is likely to be disruptive. This variant has not been reported in the literature in individuals affected with NBAS-related conditions. This variant is not present in population databases (gnomAD no frequency).